The following is an entry in ClinVar:

NM_000138.5(FBN1):c.819C>A (p.Cys273Ter)

Gene: FBN1 (fibrillin 1; minus strand). Cytogenetic location: 15q21.1.
Variant type: single nucleotide variant.
Coding change: c.819C>A on transcript NM_000138.5 (MANE Select); coding-DNA position 819, C replaced by A.
Protein change: p.Cys273Ter; replaces cysteine 273 with a stop codon.
Molecular consequence: nonsense.
Genome position (GRCh38, 1-based): chr15:48,534,123, G>T on the plus strand (C>A on the coding strand, the complement: FBN1 is on the minus strand). VCF-style: chr15-48534123-G-T. GRCh37 (hg19) VCF-style: chr15-48826320-G-T.
Other names: c.819C>A, p.Cys273Ter (NM_001406716.1, NM_001406717.1); short protein forms C273*.
Identifiers: ClinVar variation 2945411 (VCV002945411.3), dbSNP rs1782110783, ClinGen allele CA392352457.

ClinVar aggregate classification (germline): Pathogenic (1 of 4 stars; one submission).

Conditions:
Marfan syndrome (MFS). Also called: MARFAN SYNDROME, TYPE I; Marfan syndrome type 1; Marfan's syndrome; Marfan syndrome, classic; FBN1-Related Marfan Syndrome. Identifiers: Orphanet 284963, Orphanet 558, MedGen C0024796, MONDO:0007947, OMIM 154700.
Familial thoracic aortic aneurysm and aortic dissection (TAAD). Also called: Thoracic aortic aneurysms and dissections. Identifiers: Orphanet 91387, MedGen C4707243, MONDO:0019625.

Submission:

Labcorp Genetics (formerly Invitae), Labcorp
Classification: Pathogenic for Marfan syndrome; Familial thoracic aortic aneurysm and aortic dissection. Last evaluated: 2024-07-22. Review status: criteria provided, single submitter. Criteria: Invitae Variant Classification Sherloc (09022015). Collection method: clinical testing. Allele origin: germline.
Comment: This sequence change creates a premature translational stop signal (p.Cys273*) in the FBN1 gene. It is expected to result in an absent or disrupted protein product. Loss-of-function variants in FBN1 are known to be pathogenic (PMID: 17657824, 19293843). This variant is not present in population databases (gnomAD no frequency). This variant has not been reported in the literature in individuals affected with FBN1-related conditions. For these reasons, this variant has been classified as Pathogenic.

Literature cited by the submitters: PubMed 17657824; PubMed 19293843.